The following is an entry in ClinVar:

ClinVar aggregate classification (germline): Uncertain significance (1 of 4 stars; one submission).

Conditions:
BBS4-related disorder. Also called: BBS4-related condition.

gnomAD v4.1: 21 of 1,612,304 alleles (0.0013%); highest among the groups gnomAD compares: Non-Finnish European, 0.0018%; no homozygotes.

Submission:

PreventionGenetics, part of Exact Sciences
Classification: Uncertain significance for BBS4-related condition. Last evaluated: 2026-06-13. Review status: criteria provided, single submitter. Criteria: ACMG Guidelines, 2015. Collection method: clinical testing. Allele origin: germline.
Comment: The BBS4 c.406-8G>A variant is predicted to interfere with splicing. This variant is predicted to alter splicing based on available splicing prediction programs (SpliceAI, Jaganathan et al. 2019. PubMed ID: 30661751). However, the use of computer prediction programs is not equivalent to functional evidence. To our knowledge, this variant has not been reported in the literature. This variant is reported in 0.0016% of alleles in individuals of European (Non-Finnish) descent in gnomAD. At this time, the clinical significance of this variant is uncertain due to the absence of conclusive functional and genetic evidence.

NM_033028.5(BBS4):c.406-8G>A

Gene: BBS4 (Bardet-Biedl syndrome 4; plus strand). Cytogenetic location: 15q24.1.
Variant type: single nucleotide variant.
Coding change: c.406-8G>A on transcript NM_033028.5 (MANE Select); 8 bases into the intron before coding-DNA position 406, G replaced by A.
Molecular consequence: intron variant.
Genome position (GRCh38, 1-based): chr15:72,722,786, G>A. VCF-style: chr15-72722786-G-A. GRCh37 (hg19) VCF-style: chr15-73015127-G-A.
Other names: c.406-8G>A (NM_001320665.2); c.-116-3G>A (NM_001252678.2).
Identifiers: ClinVar variation 4990335 (VCV004990335.1).